The following is an entry in ClinVar:

ClinVar aggregate classification (germline): Uncertain significance (1 of 4 stars; one submission).

Conditions:
Wilms tumor 1 (WT1). Also called: Wilms tumor, somatic. Identifiers: Orphanet 654, MedGen CN033288, MONDO:0008679, OMIM 194070.

Submission:

Labcorp Genetics (formerly Invitae), Labcorp
Classification: Uncertain significance for Wilms tumor 1. Last evaluated: 2025-06-06. Review status: criteria provided, single submitter. Criteria: Invitae Variant Classification Sherloc (09022015). Collection method: clinical testing. Allele origin: germline.
Comment: This sequence change replaces glutamine, which is neutral and polar, with arginine, which is basic and polar, at codon 94 of the GPC3 protein (p.Gln94Arg). This variant is not present in population databases (gnomAD no frequency). This variant has not been reported in the literature in individuals affected with GPC3-related conditions. ClinVar contains an entry for this variant (Variation ID: 2963861). Invitae Evidence Modeling of protein sequence and biophysical properties (such as structural, functional, and spatial information, amino acid conservation, physicochemical variation, residue mobility, and thermodynamic stability) indicates that this missense variant is not expected to disrupt GPC3 protein function with a negative predictive value of 80%. In summary, the available evidence is currently insufficient to determine the role of this variant in disease. Therefore, it has been classified as a Variant of Uncertain Significance.

NM_004484.4(GPC3):c.281A>G (p.Gln94Arg)

Gene: GPC3 (glypican 3; minus strand). Cytogenetic location: Xq26.2.
Variant type: single nucleotide variant.
Coding change: c.281A>G on transcript NM_004484.4 (MANE Select); coding-DNA position 281, A replaced by G.
Protein change: p.Gln94Arg; replaces glutamine 94 with arginine.
Molecular consequence: missense variant. On other transcripts: intron variant (1).
Genome position (GRCh38, 1-based): chrX:133,953,106, T>C on the plus strand (A>G on the coding strand, the complement: GPC3 is on the minus strand). VCF-style: chrX-133953106-T-C. GRCh37 (hg19) VCF-style: chrX-133087133-T-C.
Other names: c.175+32169A>G (NM_001164619.2); c.281A>G, p.Gln94Arg (NM_001164617.2, NM_001164618.2); short protein forms Q94R.
Identifiers: ClinVar variation 2963861 (VCV002963861.3), dbSNP rs2521895371, ClinGen allele CA414707388.